The following is an entry in ClinVar:

ClinVar aggregate classification (germline): Uncertain significance (1 of 4 stars; one submission).

Conditions:
Hereditary cancer-predisposing syndrome. Also called: Neoplastic Syndromes, Hereditary; Tumor predisposition; Hereditary Cancer Syndrome; Hereditary neoplastic syndrome. Identifiers: Orphanet 140162, MedGen C0027672, MeSH D009386, MONDO:0015356.

Submission:

Ambry Genetics
Classification: Uncertain significance for Hereditary cancer-predisposing syndrome. Last evaluated: 2026-02-17. Review status: criteria provided, single submitter. Criteria: Ambry Variant Classification Scheme 2023. Collection method: clinical testing. Allele origin: germline.
Comment: The p.R194I variant (also known as c.581G>T), located in coding exon 4 of the CTNNA1 gene, results from a G to T substitution at nucleotide position 581. The arginine at codon 194 is replaced by isoleucine, an amino acid with similar properties. This amino acid position is conserved. In addition, this alteration is predicted to be deleterious by in silico analysis. Based on the available evidence, the clinical significance of this variant remains unclear.

NM_001903.5(CTNNA1):c.581G>T (p.Arg194Ile)

Gene: CTNNA1 (catenin alpha 1; plus strand). Cytogenetic location: 5q31.2.
Variant type: single nucleotide variant.
Coding change: c.581G>T on transcript NM_001903.5 (MANE Select); coding-DNA position 581, G replaced by T.
Protein change: p.Arg194Ile; replaces arginine 194 with isoleucine.
Molecular consequence: missense variant.
Genome position (GRCh38, 1-based): chr5:138,812,295, G>T. VCF-style: chr5-138812295-G-T. GRCh37 (hg19) VCF-style: chr5-138147984-G-T.
Other names: c.581G>T, p.Arg194Ile (NM_001290307.3, NM_001323982.2, NM_001323983.1 and 3 more transcripts); c.272G>T, p.Arg91Ile (NM_001290309.3); c.212G>T, p.Arg71Ile (NM_001290310.3); short protein forms R194I, R71I, R91I.
Identifiers: ClinVar variation 4844456 (VCV004844456.1).